The following is an entry in ClinVar:

NM_052813.5(CARD9):c.1571A>C (p.Asn524Thr)

Gene: CARD9 (caspase recruitment domain family member 9; minus strand). Cytogenetic location: 9q34.3.
Variant type: single nucleotide variant.
Coding change: c.1571A>C on transcript NM_052813.5 (MANE Select); coding-DNA position 1571, A replaced by C.
Protein change: p.Asn524Thr; replaces asparagine 524 with threonine.
Molecular consequence: missense variant. On other transcripts: intron variant (1).
Genome position (GRCh38, 1-based): chr9:136,364,342, T>G on the plus strand (A>C on the coding strand, the complement: CARD9 is on the minus strand). VCF-style: chr9-136364342-T-G. GRCh37 (hg19) VCF-style: chr9-139258794-T-G.
Other names: c.1442-180A>C (NM_052814.4); short protein forms N524T.
Identifiers: ClinVar variation 535814 (VCV000535814.10), dbSNP rs141310444, ClinGen allele CA5332575.
Genomic context (GRCh38, chr9:136,364,342, plus strand): 5'-CGGGGCCTGCGCTGCTGCGGCTAGGAGCCCTCAGTGTCGGTGTTGTCGCTGCCCGTGGTG[T>G]TCTCCCGGTCCTCCTCCCCCTGCCGCCATCCTTTCTGCATCTTCCTGAGGGCGCGCTTCC-3'
Protein context (NP_434700.2, residues 514-534): GWRQGEEDRE[Asn524Thr]TTGSDNTDTE

ClinVar aggregate classification (germline): Uncertain significance. Review status: criteria provided, multiple submitters, no conflicts (2 of 4 stars). 4 submissions from 4 submitters: Uncertain significance (4). Last evaluated 2024-04-09.

Conditions:
Inborn genetic diseases. Identifiers: MedGen C0950123, MeSH D030342.
Predisposition to invasive fungal disease due to CARD9 deficiency (IMD103). Also called: CARD9 IMMUNODEFICIENCY; Candidiasis, familial, 2, autosomal recessive; IMMUNODEFICIENCY 103, SUSCEPTIBILITY TO FUNGAL INFECTIONS. Identifiers: Orphanet 457088, MedGen C1859353, MONDO:0008905, OMIM 212050.

Allele frequency attached by ClinVar (database versions not stated): ExAC 0.00025; gnomAD 0.00033 and 0.00035; TOPMed 0.00036; ESP Exome Variant Server 0.00054.
gnomAD v4.1: 954 of 1,568,318 alleles (0.061%); highest among the groups gnomAD compares: Non-Finnish European, 0.076%; 1 homozygote.

Submissions (4):

Blueprint Genetics
Classification: Uncertain significance. Last evaluated: 2024-04-09. Review status: criteria provided, single submitter. Criteria: ACMG Guidelines, 2015. Collection method: clinical testing. Allele origin: germline.

Fulgent Genetics
Classification: Uncertain significance for Predisposition to invasive fungal disease due to CARD9 deficiency. Last evaluated: 2024-02-21. Review status: criteria provided, single submitter. Criteria: ACMG Guidelines, 2015. Collection method: clinical testing. Allele origin: germline.

Labcorp Genetics (formerly Invitae), Labcorp
Classification: Uncertain significance for Predisposition to invasive fungal disease due to CARD9 deficiency. Last evaluated: 2022-11-01. Review status: criteria provided, single submitter. Criteria: Invitae Variant Classification Sherloc (09022015). Collection method: clinical testing. Allele origin: germline.
Comment: This sequence change replaces asparagine, which is neutral and polar, with threonine, which is neutral and polar, at codon 524 of the CARD9 protein (p.Asn524Thr). This variant is present in population databases (rs141310444, gnomAD 0.05%). This variant has not been reported in the literature in individuals affected with CARD9-related conditions. ClinVar contains an entry for this variant (Variation ID: 535814). Algorithms developed to predict the effect of missense changes on protein structure and function are either unavailable or do not agree on the potential impact of this missense change (SIFT: "Tolerated"; PolyPhen-2: "Possibly Damaging"; Align-GVGD: "Class C0"). In summary, the available evidence is currently insufficient to determine the role of this variant in disease. Therefore, it has been classified as a Variant of Uncertain Significance.

Ambry Genetics
Classification: Uncertain significance for Inborn genetic diseases. Last evaluated: 2021-07-13. Review status: criteria provided, single submitter. Criteria: Ambry Variant Classification Scheme 2023. Collection method: clinical testing. Allele origin: germline.